The following is an entry in ClinVar:

ClinVar aggregate classification (germline): Uncertain significance (1 of 4 stars; one submission).

Conditions:
Gorlin syndrome. Also called: Nevoid Basal Cell Carcinoma Syndrome; Basal cell nevus syndrome. Identifiers: Orphanet 377, MedGen C0004779, MONDO:0007187.

Allele frequency attached by ClinVar (database versions not stated): gnomAD exomes 0.00005; ExAC 0.00007; gnomAD 0.00007 and 0.00008; TOPMed 0.00008; 1000 Genomes Project 0.00020; 1000 Genomes Project 30x 0.00031.

Submission:

Labcorp Genetics (formerly Invitae), Labcorp
Classification: Uncertain significance for Gorlin syndrome. Last evaluated: 2025-11-04. Review status: criteria provided, single submitter. Criteria: Invitae Variant Classification Sherloc (09022015). Collection method: clinical testing. Allele origin: germline.
Comment: This sequence change falls in intron 10 of the PTCH2 gene. It does not directly change the encoded amino acid sequence of the PTCH2 protein. It affects a nucleotide within the consensus splice site. This variant is present in population databases (rs532682199, gnomAD 0.03%). This variant has not been reported in the literature in individuals affected with PTCH2-related conditions. ClinVar contains an entry for this variant (Variation ID: 1040893). Variants that disrupt the consensus splice site are a relatively common cause of aberrant splicing (PMID: 17576681, 9536098). Algorithms developed to predict the effect of sequence changes on RNA splicing suggest that this variant is not likely to affect RNA splicing. In summary, the available evidence is currently insufficient to determine the role of this variant in disease. Therefore, it has been classified as a Variant of Uncertain Significance.

Literature cited by the submitters: PubMed 17576681; PubMed 9536098.

NM_003738.5(PTCH2):c.1371+5G>A

Gene: PTCH2 (patched 2; minus strand). Cytogenetic location: 1p34.1.
Variant type: single nucleotide variant.
Coding change: c.1371+5G>A on transcript NM_003738.5 (MANE Select); 5 bases into the intron after coding-DNA position 1371, G replaced by A.
Molecular consequence: intron variant.
Genome position (GRCh38, 1-based): chr1:44,829,152, C>T on the plus strand (G>A on the coding strand, the complement: PTCH2 is on the minus strand). VCF-style: chr1-44829152-C-T. GRCh37 (hg19) VCF-style: chr1-45294824-C-T.
Other names: c.1371+5G>A (NM_001166292.2).
Identifiers: ClinVar variation 1040893 (VCV001040893.7), dbSNP rs532682199, ClinGen allele CA823339.